The following is an entry in ClinVar:

NM_001040108.2(MLH3):c.1669G>A (p.Ala557Thr)

Gene: MLH3 (mutL homolog 3; minus strand). Cytogenetic location: 14q24.3.
Variant type: single nucleotide variant.
Coding change: c.1669G>A on transcript NM_001040108.2 (MANE Select); coding-DNA position 1669, G replaced by A.
Protein change: p.Ala557Thr; replaces alanine 557 with threonine.
Molecular consequence: missense variant.
Genome position (GRCh38, 1-based): chr14:75,047,987, C>T on the plus strand (G>A on the coding strand, the complement: MLH3 is on the minus strand). VCF-style: chr14-75047987-C-T. GRCh37 (hg19) VCF-style: chr14-75514690-C-T.
Other names: c.1669G>A, p.Ala557Thr (NM_014381.3); short protein forms A557T.
Identifiers: ClinVar variation 573276 (VCV000573276.15), dbSNP rs1347649293, ClinGen allele CA390444668.

ClinVar aggregate classification (germline): Uncertain significance. Review status: criteria provided, multiple submitters, no conflicts (2 of 4 stars). 4 submissions from 4 submitters: Uncertain significance (4). Last evaluated 2025-12-16.

Conditions:
MLH3-related disorder. Also called: MLH3-related condition.
Colorectal cancer, hereditary nonpolyposis, type 7. Identifiers: Orphanet 144, MedGen C1858380, MONDO:0013725, OMIM 614385.
Colorectal cancer. Also called: Colorectal cancer, somatic; Malignant Colorectal Neoplasm. Identifiers: MedGen C0346629, MONDO:0005575, OMIM 114500.
Endometrial carcinoma. Also called: Endometrial carcinoma, somatic. Identifiers: MedGen C0476089, MONDO:0002447, OMIM 608089, HP:0012114.

Allele frequency attached by ClinVar (database versions not stated): TOPMed below 0.00001; gnomAD 0.00001; gnomAD exomes 0.00001.
gnomAD v4.1: 14 of 1,614,020 alleles (0.00087%); highest among the groups gnomAD compares: Non-Finnish European, 0.0012%; no homozygotes.

Submissions (4):

Ambry Genetics
Classification: Uncertain significance. Last evaluated: 2025-12-16. Review status: criteria provided, single submitter. Criteria: Ambry Variant Classification Scheme 2023. Collection method: clinical testing. Allele origin: germline.

Labcorp Genetics (formerly Invitae), Labcorp
Classification: Uncertain significance for Colorectal cancer, hereditary nonpolyposis, type 7. Last evaluated: 2024-10-18. Review status: criteria provided, single submitter. Criteria: Invitae Variant Classification Sherloc (09022015). Collection method: clinical testing. Allele origin: germline.
Comment: This sequence change replaces alanine, which is neutral and non-polar, with threonine, which is neutral and polar, at codon 557 of the MLH3 protein (p.Ala557Thr). This variant is present in population databases (no rsID available, gnomAD 0.002%). This variant has not been reported in the literature in individuals affected with MLH3-related conditions. ClinVar contains an entry for this variant (Variation ID: 573276). An algorithm developed to predict the effect of missense changes on protein structure and function outputs the following: PolyPhen-2: "Benign". The threonine amino acid residue is found in multiple mammalian species, which suggests that this missense change does not adversely affect protein function. In summary, the available evidence is currently insufficient to determine the role of this variant in disease. Therefore, it has been classified as a Variant of Uncertain Significance.

Fulgent Genetics
Classification: Uncertain significance for Colorectal cancer; Endometrial carcinoma; Colorectal cancer, hereditary nonpolyposis, type 7. Last evaluated: 2024-01-26. Review status: criteria provided, single submitter. Criteria: ACMG Guidelines, 2015. Collection method: clinical testing. Allele origin: germline.

PreventionGenetics, part of Exact Sciences
Classification: Uncertain significance for MLH3-related condition. Last evaluated: 2023-02-24. Review status: criteria provided, single submitter. Criteria: ACMG Guidelines, 2015. Collection method: clinical testing. Allele origin: germline.
Comment: The MLH3 c.1669G>A variant is predicted to result in the amino acid substitution p.Ala557Thr. To our knowledge, this variant has not been reported in the literature. This variant is reported in 2 of ~251,000 alleles in individuals of European (Non-Finnish) descent in gnomAD. It is interpreted as uncertain significance in ClinVar. At this time, the clinical significance of this variant is uncertain due to the absence of conclusive functional and genetic evidence.